The following is an entry in ClinVar:

NM_024642.5(GALNT12):c.122G>T (p.Arg41Leu)

Gene: GALNT12 (polypeptide N-acetylgalactosaminyltransferase 12; plus strand). Cytogenetic location: 9q22.33.
Variant type: single nucleotide variant.
Coding change: c.122G>T on transcript NM_024642.5 (MANE Select); coding-DNA position 122, G replaced by T.
Protein change: p.Arg41Leu; replaces arginine 41 with leucine.
Molecular consequence: missense variant.
Genome position (GRCh38, 1-based): chr9:98,807,820, G>T. VCF-style: chr9-98807820-G-T. GRCh37 (hg19) VCF-style: chr9-101570102-G-T.
Other names: short protein forms R41L.
Identifiers: ClinVar variation 1755261 (VCV001755261.2), dbSNP rs1281379284, ClinGen allele CA374222334.
Genomic context (GRCh38, chr9:98,807,820, plus strand): 5'-TGTTGGTGCTCCTGGCGCTACTGGCGTTGGCCGGGCTGGGCTCGGTGCTGCGGGCGCAGC[G>T]TGGGGCCGGGGCCGGGGCTGCCGAGCCGGGACCCCCGCGCACCCCGCGCCCCGGGCGGCG-3'
Protein context (NP_078918.3, residues 31-51): AGLGSVLRAQ[Arg41Leu]GAGAGAAEPG

ClinVar aggregate classification (germline): Uncertain significance (1 of 4 stars; one submission).

Submission:

Ambry Genetics
Classification: Uncertain significance. Last evaluated: 2022-05-30. Review status: criteria provided, single submitter. Criteria: Ambry Variant Classification Scheme 2023. Collection method: clinical testing. Allele origin: germline.
Comment: The p.R41L variant (also known as c.122G>T), located in coding exon 1 of the GALNT12 gene, results from a G to T substitution at nucleotide position 122. The arginine at codon 41 is replaced by leucine, an amino acid with dissimilar properties. This amino acid position is conserved. In addition, this alteration is predicted to be tolerated by in silico analysis. Since supporting evidence is limited at this time, the clinical significance of this alteration remains unclear.